The following is an entry in ClinVar:

NC_000007.13:g.(?_128470692)_(128694824_?)del

Genes: FLNC (filamin C; plus strand), IRF5 (interferon regulatory factor 5; plus strand), TNPO3 (transportin 3; minus strand), ATP6V1F (ATPase H+ transporting V1 subunit F; plus strand), KCP (kielin cysteine rich BMP regulator; minus strand). Cytogenetic location: 7q32.1.
Variant type: Deletion.
Identifiers: ClinVar variation 3245794 (VCV003245794.1).

ClinVar aggregate classification (germline): Pathogenic (1 of 4 stars; one submission).

Conditions:
Myofibrillar myopathy 5. Also called: FILAMINOPATHY, AUTOSOMAL DOMINANT; Filaminopathy (type). Identifiers: Orphanet 171445, MedGen C1836050, MONDO:0012289, OMIM 609524.
Distal myopathy with posterior leg and anterior hand involvement. Also called: WILLIAMS DISTAL MYOPATHY. Identifiers: Orphanet 63273, MedGen C3279722, MONDO:0013550, OMIM 614065.
Dilated Cardiomyopathy, Dominant.
Hypertrophic cardiomyopathy 26. Also called: Cardiomyopathy, familial hypertrophic, 26. Identifiers: Orphanet 75249, MedGen C4310749, MONDO:0014883, OMIM 617047.

Submission:

Labcorp Genetics (formerly Invitae), Labcorp
Classification: Pathogenic for Distal myopathy with posterior leg and anterior hand involvement; Myofibrillar myopathy 5; Hypertrophic cardiomyopathy 26. Last evaluated: 2023-12-01. Review status: criteria provided, single submitter. Criteria: Invitae Variant Classification Sherloc (09022015). Collection method: clinical testing. Allele origin: unknown.
Comment: A gross deletion of the genomic region encompassing the full coding sequence of the FLNC gene has been identified. Loss-of-function variants in FLNC are known to be pathogenic (PMID: 27908349). The boundaries of this event are unknown as they extend beyond the assayed region for this gene and therefore may encompass additional genes. This variant has not been reported in the literature in individuals affected with FLNC-related conditions. For these reasons, this variant has been classified as Pathogenic.

Literature cited by the submitters: PubMed 27908349.